The following is an entry in ClinVar:

NM_016006.6(ABHD5):c.886G>A (p.Ala296Thr)

Gene: ABHD5 (abhydrolase domain containing 5, lysophosphatidic acid acyltransferase; plus strand). Cytogenetic location: 3p21.33.
Variant type: single nucleotide variant.
Coding change: c.886G>A on transcript NM_016006.6 (MANE Select); coding-DNA position 886, G replaced by A.
Protein change: p.Ala296Thr; replaces alanine 296 with threonine.
Molecular consequence: missense variant. On other transcripts: non-coding transcript variant (1), intron variant (1).
Genome position (GRCh38, 1-based): chr3:43,717,783, G>A. VCF-style: chr3-43717783-G-A. GRCh37 (hg19) VCF-style: chr3-43759275-G-A.
Other names: c.886G>A, p.Ala296Thr (NM_001355186.2); c.763G>A, p.Ala255Thr (NM_001365649.1); c.774-660G>A (NM_001365650.1); short protein forms A296T, A255T.
Identifiers: ClinVar variation 2174830 (VCV002174830.1), dbSNP rs140627711, ClinGen allele CA2341492.
Genomic context (GRCh38, chr3:43,717,783, plus strand): 5'-CCAATGCTCCAGCGAATTGGTAAAATGCACCCTGACATTCCAGTTTCAGTGATCTTTGGC[G>A]CCCGATCCTGCATAGATGGCAATTCTGGCACCAGCATCCAGTCCTTACGACCACATTCAT-3'
Protein context (NP_057090.2, residues 286-306): PDIPVSVIFG[Ala296Thr]RSCIDGNSGT

ClinVar aggregate classification (germline): Uncertain significance (1 of 4 stars; one submission).

Allele frequency attached by ClinVar (database versions not stated): gnomAD exomes 0.00001; ExAC 0.00002; gnomAD 0.00007; TOPMed 0.00007; ESP Exome Variant Server 0.00008.
gnomAD v4.1: 26 of 1,614,070 alleles (0.0016%); highest among the groups gnomAD compares: African/African-American, 0.017%; no homozygotes.

Submission:

Labcorp Genetics (formerly Invitae), Labcorp
Classification: Uncertain significance. Last evaluated: 2022-07-19. Review status: criteria provided, single submitter. Criteria: Invitae Variant Classification Sherloc (09022015). Collection method: clinical testing. Allele origin: germline.
Comment: This sequence change replaces alanine, which is neutral and non-polar, with threonine, which is neutral and polar, at codon 296 of the ABHD5 protein (p.Ala296Thr). This variant is present in population databases (rs140627711, gnomAD 0.02%). This variant has not been reported in the literature in individuals affected with ABHD5-related conditions. Algorithms developed to predict the effect of missense changes on protein structure and function (SIFT, PolyPhen-2, Align-GVGD) all suggest that this variant is likely to be tolerated. In summary, the available evidence is currently insufficient to determine the role of this variant in disease. Therefore, it has been classified as a Variant of Uncertain Significance.